The following is an entry in ClinVar:

ClinVar aggregate classification (germline): Likely benign (1 of 4 stars; one submission).

gnomAD v4.1: 402 of 1,300,746 alleles (0.031%); highest among the groups gnomAD compares: African/African-American, 0.3%; 2 homozygotes.

Submission:

CeGaT Center for Human Genetics Tuebingen
Classification: Likely benign. Last evaluated: 2025-10-01. Review status: criteria provided, single submitter. Criteria: CeGaT Center For Human Genetics Tuebingen Variant Classification Criteria Version 2. Collection method: clinical testing. Allele origin: germline. Affected: yes. Observed: 1 variant allele.
Comment: ADPRHL1: BP4, BP7

NM_001394807.1(ADPRHL1):c.4725G>A (p.Gly1575=)

Gene: ADPRHL1 (ADP-ribosylhydrolase like 1; minus strand). Cytogenetic location: 13q34.
Variant type: single nucleotide variant.
Coding change: c.4725G>A on transcript NM_001394807.1 (MANE Select); coding-DNA position 4725, G replaced by A.
Protein change: p.Gly1575=; no amino-acid change (glycine 1575 retained).
Molecular consequence: synonymous variant.
Genome position (GRCh38, 1-based): chr13:113,404,557, C>T on the plus strand (G>A on the coding strand, the complement: ADPRHL1 is on the minus strand). VCF-style: chr13-113404557-C-T. GRCh37 (hg19) VCF-style: chr13-114058872-C-T.
Other names: c.3633G>A, p.Gly1211= (NM_001304433.1, NM_001375393.1).
Identifiers: ClinVar variation 4534124 (VCV004534124.6).
Genomic context (GRCh38, chr13:113,404,557, plus strand): 5'-CTGTCCCTGAATCTGCCCCTGAGCCCATTTCTGGGCCTGTCCCTGAACCTGTCCCTGGGC[C>T]CCACCCTGAGCTGGTTCCTGTGCCTGCCCCTGGGCCTCTATCTGGGTCTGCCACTGGGCC-3'
Protein context (NP_001381736.1, residues 1565-1585): QGQAQEPAQG[Gly1575=]AQGQVQGQAQ